The following is an entry in ClinVar:

NM_004525.3(LRP2):c.7227C>A (p.Ser2409Arg)

Gene: LRP2 (LDL receptor related protein 2; minus strand). Cytogenetic location: 2q31.1.
Variant type: single nucleotide variant.
Coding change: c.7227C>A on transcript NM_004525.3 (MANE Select); coding-DNA position 7227, C replaced by A.
Protein change: p.Ser2409Arg; replaces serine 2409 with arginine.
Molecular consequence: missense variant.
Genome position (GRCh38, 1-based): chr2:169,206,493, G>T on the plus strand (C>A on the coding strand, the complement: LRP2 is on the minus strand). VCF-style: chr2-169206493-G-T. GRCh37 (hg19) VCF-style: chr2-170063003-G-T.
Other names: short protein forms S2409R.
Identifiers: ClinVar variation 1504646 (VCV001504646.7), dbSNP rs963561778, ClinGen allele CA59933967.
Genomic context (GRCh38, chr2:169,206,493, plus strand): 5'-TACACTGTCATAGTCTAGAGACATGACAGTTCTTTCCACATTTATTGTTTGGAAAGGTGG[G>T]CTATGGTTTTCAGGGTCCAAGTGTAAGCTTCTCAAGGAATTAGACAAGGCAAAGATGAGG-3'
Protein context (NP_004516.2, residues 2399-2419): RSLHLDPENH[Ser2409Arg]PPFQTINVER

ClinVar aggregate classification (germline): Uncertain significance. Review status: criteria provided, multiple submitters, no conflicts (2 of 4 stars). 3 submissions from 3 submitters: Uncertain significance (3). Last evaluated 2022-02-01.

Conditions:
Donnai-Barrow syndrome. Also called: DBS/FOAR SYNDROME; FACIOOCULOACOUSTICORENAL SYNDROME. Identifiers: Orphanet 2143, MedGen C1857277, MONDO:0009104, OMIM 222448.

Allele frequency attached by ClinVar (database versions not stated): TOPMed below 0.00001.
gnomAD v4.1: 2 of 1,614,212 alleles (0.00012%); no homozygotes.

Submissions (3):

Fulgent Genetics
Classification: Uncertain significance for Donnai-Barrow syndrome. Last evaluated: 2022-02-01. Review status: criteria provided, single submitter. Criteria: ACMG Guidelines, 2015. Collection method: clinical testing. Allele origin: unknown.

Labcorp Genetics (formerly Invitae), Labcorp
Classification: Uncertain significance. Last evaluated: 2021-08-28. Review status: criteria provided, single submitter. Criteria: Invitae Variant Classification Sherloc (09022015). Collection method: clinical testing. Allele origin: germline.
Comment: This sequence change replaces serine with arginine at codon 2409 of the LRP2 protein (p.Ser2409Arg). The serine residue is moderately conserved and there is a moderate physicochemical difference between serine and arginine. This variant is not present in population databases (ExAC no frequency). This variant has not been reported in the literature in individuals affected with LRP2-related conditions. Algorithms developed to predict the effect of missense changes on protein structure and function are either unavailable or do not agree on the potential impact of this missense change (SIFT: "Tolerated"; PolyPhen-2: "Possibly Damaging"; Align-GVGD: "Class C0"). In summary, the available evidence is currently insufficient to determine the role of this variant in disease. Therefore, it has been classified as a Variant of Uncertain Significance.

Blueprint Genetics
Classification: Uncertain significance. Last evaluated: 2018-09-06. Review status: criteria provided, single submitter. Criteria: ACMG Guidelines, 2015. Collection method: clinical testing. Allele origin: germline.